The following is an entry in ClinVar:

ClinVar aggregate classification (germline): Pathogenic. Review status: criteria provided, multiple submitters, no conflicts (2 of 4 stars). 2 submissions from 2 submitters: Pathogenic (2). Last evaluated 2024-09-23.

Submissions (2):

GeneDx
Classification: Pathogenic. Last evaluated: 2024-09-23. Review status: criteria provided, single submitter. Criteria: GeneDx Variant Classification Process June 2021. Collection method: clinical testing. Allele origin: germline. Affected: yes.
Comment: Missense variants in this gene are a common cause of disease and they are underrepresented in the general population; Not observed at significant frequency in large population cohorts (gnomAD); In silico analysis supports that this missense variant has a deleterious effect on protein structure/function; This variant is associated with the following publications: (PMID: 16766529, 28035777, 10441324, 22004489)

CeGaT Center for Human Genetics Tuebingen
Classification: Pathogenic. Last evaluated: 2023-09-01. Review status: criteria provided, single submitter. Criteria: CeGaT Center For Human Genetics Tuebingen Variant Classification Criteria Version 2. Collection method: clinical testing. Allele origin: germline. Affected: yes. Observed: 1 variant allele.
Comment: ATP2A2: PP1:Strong, PM2, PS4:Moderate, PP2, PP3, PS3:Supporting

NM_170665.4(ATP2A2):c.632G>A (p.Gly211Asp)

Gene: ATP2A2 (ATPase sarcoplasmic/endoplasmic reticulum Ca2+ transporting 2; plus strand). Cytogenetic location: 12q24.11.
Variant type: single nucleotide variant.
Coding change: c.632G>A on transcript NM_170665.4 (MANE Select); coding-DNA position 632, G replaced by A.
Protein change: p.Gly211Asp; replaces glycine 211 with aspartic acid.
Molecular consequence: missense variant.
Genome position (GRCh38, 1-based): chr12:110,327,554, G>A. VCF-style: chr12-110327554-G-A. GRCh37 (hg19) VCF-style: chr12-110765359-G-A.
Other names: c.632G>A (NM_170665.3); c.527G>A, p.Gly176Asp (NM_001413013.1); c.632G>A, p.Gly211Asp (NM_001413014.1, NM_001681.4); c.257G>A, p.Gly86Asp (NM_001413015.1); short protein forms G176D, G211D, G86D.
Identifiers: ClinVar variation 2582907 (VCV002582907.26), dbSNP rs2548553549, ClinGen allele CA386666669.
Genomic context (GRCh38, chr12:110,327,554, plus strand): 5'-CGGTATTTAAGTTGGGATGTGGTATTCATCTTGTGACCAGTTCTCTACTTCTGTCCTAGG[G>A]TACAAACATTGCTGCTGGGAAAGCTATGGGAGTGGTGGTAGCAACTGGAGTTAACACCGA-3'
Protein context (NP_733765.1, residues 201-221): NQDKKNMLFS[Gly211Asp]TNIAAGKAMG